The following is an entry in ClinVar:

ClinVar aggregate classification (germline): Uncertain significance. Review status: criteria provided, multiple submitters, no conflicts (2 of 4 stars). 2 submissions from 2 submitters: Uncertain significance (2). Last evaluated 2024-12-25.

Conditions:
Candidiasis, familial, 8 (CANDF8). Identifiers: Orphanet 1334, MedGen C3714992, MONDO:0014230, OMIM 615527.

Allele frequency attached by ClinVar (database versions not stated): ExAC 0.00004; 1000 Genomes Project 30x 0.00016; gnomAD exomes 0.00003; gnomAD 0.00004; TOPMed 0.00005; 1000 Genomes Project 0.00020.
gnomAD v4.1: 13 of 1,485,928 alleles (0.00087%); highest among the groups gnomAD compares: Admixed American, 0.014%; no homozygotes.

Submissions (2):

Ambry Genetics
Classification: Uncertain significance. Last evaluated: 2024-12-25. Review status: criteria provided, single submitter. Criteria: Ambry Variant Classification Scheme 2023. Collection method: clinical testing. Allele origin: germline.

Labcorp Genetics (formerly Invitae), Labcorp
Classification: Uncertain significance for Candidiasis, familial, 8. Last evaluated: 2023-07-17. Review status: criteria provided, single submitter. Criteria: Invitae Variant Classification Sherloc (09022015). Collection method: clinical testing. Allele origin: germline.
Comment: This sequence change replaces glutamine, which is neutral and polar, with histidine, which is basic and polar, at codon 274 of the TRAF3IP2 protein (p.Gln274His). This variant is present in population databases (rs535612529, gnomAD 0.03%). This variant has not been reported in the literature in individuals affected with TRAF3IP2-related conditions. ClinVar contains an entry for this variant (Variation ID: 1041541). Advanced modeling of protein sequence and biophysical properties (such as structural, functional, and spatial information, amino acid conservation, physicochemical variation, residue mobility, and thermodynamic stability) performed at Invitae indicates that this missense variant is not expected to disrupt TRAF3IP2 protein function. In summary, the available evidence is currently insufficient to determine the role of this variant in disease. Therefore, it has been classified as a Variant of Uncertain Significance.

NM_147686.4(TRAF3IP2):c.822G>C (p.Gln274His)

Genes: TRAF3IP2 (TRAF3 interacting protein 2; minus strand), TRAF3IP2-AS1 (TRAF3IP2 antisense RNA 1; plus strand), LOC114803478 (TRAF3IP2 eExon liver enhancer; plus strand). Cytogenetic location: 6q21.
Variant type: single nucleotide variant.
Coding change: c.822G>C on transcript NM_147686.4 (MANE Select); coding-DNA position 822, G replaced by C.
Protein change: p.Gln274His; replaces glutamine 274 with histidine.
Molecular consequence: missense variant.
Genome position (GRCh38, 1-based): chr6:111,591,265, C>G on the plus strand (G>C on the coding strand, the complement: TRAF3IP2 is on the minus strand). VCF-style: chr6-111591265-C-G. GRCh37 (hg19) VCF-style: chr6-111912468-C-G.
Other names: c.822G>C, p.Gln274His (NM_001164281.3); c.849G>C, p.Gln283His (NM_147200.3); c.822G>C (NM_147686.2); short protein forms Q274H, Q283H.
Identifiers: ClinVar variation 1041541 (VCV001041541.6), dbSNP rs535612529, ClinGen allele CA3963254.